The following is an entry in ClinVar:

NM_006080.3(SEMA3A):c.1546C>T (p.Arg516Trp)

Gene: SEMA3A (semaphorin 3A; minus strand). Cytogenetic location: 7q21.11.
Variant type: single nucleotide variant.
Coding change: c.1546C>T on transcript NM_006080.3 (MANE Select); coding-DNA position 1546, C replaced by T.
Protein change: p.Arg516Trp; replaces arginine 516 with tryptophan.
Molecular consequence: missense variant.
Genome position (GRCh38, 1-based): chr7:83,981,427, G>A on the plus strand (C>T on the coding strand, the complement: SEMA3A is on the minus strand). VCF-style: chr7-83981427-G-A. GRCh37 (hg19) VCF-style: chr7-83610743-G-A.
Other names: short protein forms R516W.
Identifiers: ClinVar variation 2372573 (VCV002372573.12), dbSNP rs148900275, ClinGen allele CA4322680.

ClinVar aggregate classification (germline): Uncertain significance. Review status: criteria provided, multiple submitters, no conflicts (2 of 4 stars). 5 submissions from 5 submitters: Uncertain significance (5). Last evaluated 2026-02-11.

Conditions:
SEMA3A-related disorder. Also called: SEMA3A-related condition.
Inborn genetic diseases. Identifiers: MedGen C0950123, MeSH D030342.

Allele frequency attached by ClinVar (database versions not stated): ExAC 0.00007; TOPMed 0.00012; gnomAD 0.00014; ESP Exome Variant Server 0.00015; gnomAD exomes 0.00017; 1000 Genomes Project 0.00020; 1000 Genomes Project 30x 0.00031.
gnomAD v4.1: 264 of 1,613,474 alleles (0.016%); highest among the groups gnomAD compares: Non-Finnish European, 0.019%; no homozygotes.

Submissions (5):

PreventionGenetics, part of Exact Sciences
Classification: Uncertain significance for SEMA3A-related condition. Last evaluated: 2026-02-11. Review status: criteria provided, single submitter. Criteria: ACMG Guidelines, 2015. Collection method: clinical testing. Allele origin: germline.
Comment: The SEMA3A c.1546C>T variant is predicted to result in the amino acid substitution p.Arg516Trp. This variant has been reported in the heterozygous state in an individual with primary lymphedema and inflammation of lymphatic vessels; however, it was also present in the healthy mother (Ricci et al. 2020. PubMed ID: 33190429). This variant is reported in 0.020% of alleles in individuals of African descent in gnomAD. Although we suspect that this variant may be benign, at this time, the clinical significance of this variant is uncertain due to the absence of conclusive functional and genetic evidence.

Ambry Genetics
Classification: Uncertain significance for Inborn genetic diseases. Last evaluated: 2025-11-25. Review status: criteria provided, single submitter. Criteria: Ambry Variant Classification Scheme 2023. Collection method: clinical testing. Allele origin: germline.

GeneDx
Classification: Uncertain significance. Last evaluated: 2025-07-11. Review status: criteria provided, single submitter. Criteria: GeneDx Variant Classification Process June 2021. Collection method: clinical testing. Allele origin: germline. Affected: yes.
Comment: In silico analysis supports that this missense variant has a deleterious effect on protein structure/function; Identified in a patient with lymphedema in published literature (PMID: 33190429); Identified in a patient with congenital hypogonadotropic hypogonadism and classified as likely benign in published literature (PMID: 36531499); This variant is associated with the following publications: (PMID: 33190429, 36531499)

Labcorp Genetics (formerly Invitae), Labcorp
Classification: Uncertain significance. Last evaluated: 2025-02-15. Review status: criteria provided, single submitter. Criteria: Invitae Variant Classification Sherloc (09022015). Collection method: clinical testing. Allele origin: germline.
Comment: This sequence change replaces arginine, which is basic and polar, with tryptophan, which is neutral and slightly polar, at codon 516 of the SEMA3A protein (p.Arg516Trp). This variant is present in population databases (rs148900275, gnomAD 0.02%). This missense change has been observed in individual(s) with congenital hypogonadotropic hypogonadism (PMID: 36531499). ClinVar contains an entry for this variant (Variation ID: 2372573). Invitae Evidence Modeling of protein sequence and biophysical properties (such as structural, functional, and spatial information, amino acid conservation, physicochemical variation, residue mobility, and thermodynamic stability) indicates that this missense variant is not expected to disrupt SEMA3A protein function with a negative predictive value of 80%. In summary, the available evidence is currently insufficient to determine the role of this variant in disease. Therefore, it has been classified as a Variant of Uncertain Significance.

Women's Health and Genetics/Laboratory Corporation of America, LabCorp
Classification: Uncertain significance. Last evaluated: 2024-04-24. Review status: criteria provided, single submitter. Criteria: LabCorp Variant Classification Summary - May 2015. Collection method: clinical testing. Allele origin: germline.
Comment: Variant summary: SEMA3A c.1546C>T (p.Arg516Trp) results in a non-conservative amino acid change located in the PSI domain (IPR016201) of the encoded protein sequence. Four of five in-silico tools predict a damaging effect of the variant on protein function. The variant allele was found at a frequency of 9.2e-05 in 250188 control chromosomes. c.1546C>T has been reported in the literature in at least one individual affected with normosmic hypogonadotropic hypogonadism (Federici_2022). These data do not allow any conclusion about variant significance. To our knowledge, no experimental evidence demonstrating an impact on protein function has been reported. The following publication have been ascertained in the context of this evaluation (PMID: 36531499). ClinVar contains an entry for this variant (Variation ID: 2372573). Based on the evidence outlined above, the variant was classified as uncertain significance.

Literature cited by the submitters: PubMed 36531499 (cited by Labcorp Genetics (formerly Invitae), Labcorp and Women's Health and Genetics/Laboratory Corporation of America, LabCorp).